The following is an entry in ClinVar:

NM_000038.6(APC):c.2612G>A (p.Gly871Glu)

Gene: APC (APC regulator of Wnt signaling pathway; plus strand). Cytogenetic location: 5q22.2.
Variant type: single nucleotide variant.
Coding change: c.2612G>A on transcript NM_000038.6 (MANE Select); coding-DNA position 2612, G replaced by A.
Protein change: p.Gly871Glu; replaces glycine 871 with glutamic acid.
Molecular consequence: missense variant.
Genome position (GRCh38, 1-based): chr5:112,838,206, G>A. VCF-style: chr5-112838206-G-A. GRCh37 (hg19) VCF-style: chr5-112173903-G-A.
Other names: c.2612G>A, p.Gly871Glu (NM_001127510.3, NM_001354895.2); c.2558G>A, p.Gly853Glu (NM_001127511.3); c.2666G>A, p.Gly889Glu (NM_001354896.2); c.2642G>A, p.Gly881Glu (NM_001354897.2); c.2537G>A, p.Gly846Glu (NM_001354898.2); c.2528G>A, p.Gly843Glu (NM_001354899.2); c.2489G>A, p.Gly830Glu (NM_001354900.2); c.2435G>A, p.Gly812Glu (NM_001354901.2); and 5 more; short protein forms G853E, G871E, G711E, G745E, G780E, G889E, G588E, G830E.
Identifiers: ClinVar variation 411422 (VCV000411422.12), dbSNP rs948419955, ClinGen allele CA16027048.

ClinVar aggregate classification (germline): Uncertain significance. Review status: criteria provided, multiple submitters, no conflicts (2 of 4 stars). 3 submissions from 3 submitters: Uncertain significance (3). Last evaluated 2025-09-30.

Conditions:
Hereditary cancer-predisposing syndrome. Also called: Tumor predisposition; Hereditary Cancer Syndrome; Hereditary neoplastic syndrome; Neoplastic Syndromes, Hereditary. Identifiers: Orphanet 140162, MedGen C0027672, MeSH D009386, MONDO:0015356.
Familial adenomatous polyposis 1 (FAP1). Also called: FAMILIAL ADENOMATOUS POLYPOSIS 1, ATTENUATED; POLYPOSIS, ADENOMATOUS INTESTINAL. Identifiers: MedGen C2713442, MONDO:0021056, OMIM 175100. Disease mechanism: loss of function.
Classic or attenuated familial adenomatous polyposis. Identifiers: MedGen CN372698, MONDO:0021057.

Allele frequency attached by ClinVar (database versions not stated): gnomAD exomes below 0.00001; TOPMed below 0.00001; gnomAD 0.00001.
gnomAD v4.1: 3 of 1,613,800 alleles (0.00019%); highest among the groups gnomAD compares: Non-Finnish European, 0.00025%; no homozygotes.

Submissions (3):

Ambry Genetics
Classification: Uncertain significance for Hereditary cancer-predisposing syndrome. Last evaluated: 2025-09-30. Review status: criteria provided, single submitter. Criteria: Ambry Variant Classification Scheme 2023. Collection method: clinical testing. Allele origin: germline.
Comment: The p.G871E variant (also known as c.2612G>A), located in coding exon 15 of the APC gene, results from a G to A substitution at nucleotide position 2612. The glycine at codon 871 is replaced by glutamic acid, an amino acid with similar properties. This amino acid position is highly conserved in available vertebrate species. In addition, in silico predictors for this gene do not accurately predict pathogenicity. Missense variants in APC are not a common cause of disease (Spier I et al. Genet Med. 2024 Feb;26(2):100992). Based on the available evidence, the clinical significance of this variant remains unclear.

All of Us Research Program, National Institutes of Health
Classification: Uncertain significance for Classic or attenuated familial adenomatous polyposis. Last evaluated: 2023-12-01. Review status: criteria provided, single submitter. Criteria: ACMG Guidelines, 2015. Collection method: clinical testing. Allele origin: germline. Inheritance: Autosomal dominant inheritance. Observed: 1 variant allele, 1 heterozygote.
Comment: This study involves interpretation of variants in research participants for the purpose of population health screening. Participant phenotype was not available at the time of variant classification. Additional details can be found in publication PMID: 35346344, PMCID: PMC8962531

Labcorp Genetics (formerly Invitae), Labcorp
Classification: Uncertain significance for Familial adenomatous polyposis 1. Last evaluated: 2023-04-28. Review status: criteria provided, single submitter. Criteria: Invitae Variant Classification Sherloc (09022015). Collection method: clinical testing. Allele origin: germline.
Comment: In summary, the available evidence is currently insufficient to determine the role of this variant in disease. Therefore, it has been classified as a Variant of Uncertain Significance. Advanced modeling of protein sequence and biophysical properties (such as structural, functional, and spatial information, amino acid conservation, physicochemical variation, residue mobility, and thermodynamic stability) performed at Invitae indicates that this missense variant is not expected to disrupt APC protein function. ClinVar contains an entry for this variant (Variation ID: 411422). This variant has not been reported in the literature in individuals affected with APC-related conditions. This variant is not present in population databases (gnomAD no frequency). This sequence change replaces glycine, which is neutral and non-polar, with glutamic acid, which is acidic and polar, at codon 871 of the APC protein (p.Gly871Glu).